The following is an entry in ClinVar:

ClinVar aggregate classification (germline): Uncertain significance (1 of 4 stars; one submission).

Submission:

GeneDx
Classification: Uncertain significance. Last evaluated: 2022-01-12. Review status: criteria provided, single submitter. Criteria: GeneDx Variant Classification Process June 2021. Collection method: clinical testing. Allele origin: germline. Affected: yes.
Comment: Variants in candidate genes are classified as variants of uncertain significance in accordance with ACMG guidelines (Richards et al., 2015); Not observed at significant frequency in large population cohorts (gnomAD); In silico analysis supports that this missense variant has a deleterious effect on protein structure/function; Has not been previously published as pathogenic or benign to our knowledge

NM_003024.3(ITSN1):c.3893C>T (p.Ala1298Val)

Gene: ITSN1 (intersectin 1; plus strand). Cytogenetic location: 21q22.11.
Variant type: single nucleotide variant.
Coding change: c.3893C>T on transcript NM_003024.3 (MANE Select); coding-DNA position 3893, C replaced by T.
Protein change: p.Ala1298Val; replaces alanine 1298 with valine.
Molecular consequence: missense variant.
Genome position (GRCh38, 1-based): chr21:33,865,153, C>T. VCF-style: chr21-33865153-C-T. GRCh37 (hg19) VCF-style: chr21-35237457-C-T.
Other names: c.3878C>T, p.Ala1293Val (NM_001331010.2); short protein forms A1293V, A1298V.
Identifiers: ClinVar variation 1696997 (VCV001696997.2), dbSNP rs2148501075, ClinGen allele CA410144719.